The following is an entry in ClinVar:

NM_001329943.3(KIAA0586):c.3341dup (p.Thr1115fs)

Gene: KIAA0586 (KIAA0586; plus strand). Cytogenetic location: 14q23.1.
Variant type: Duplication.
Coding change: c.3341dup on transcript NM_001329943.3 (MANE Select); coding-DNA position 3341, one base duplicated (C; older notation c.3341dupC).
Protein change: p.Thr1115fs; shifts the reading frame from threonine 1115.
Molecular consequence: frameshift variant.
Genome position (GRCh38, 1-based): chr14:58,487,923, C duplicated; the last of 2 consecutive C bases (chr14:58,487,922-58,487,923); duplicating either gives the same sequence. VCF-style (leftmost placement, unchanged base first): chr14-58487921-T-TC. GRCh37 (hg19) VCF-style: chr14-58954639-T-TC.
Other names: c.3500dup, p.Thr1168fs (NM_001244189.2); c.3296dup, p.Thr1100fs (NM_001244190.2); c.3086dup, p.Thr1030fs (NM_001244191.2, NM_001329945.2, NM_001364700.1 and 1 more transcripts); c.3209dup, p.Thr1071fs (NM_001244192.2); c.2921dup, p.Thr975fs (NM_001244193.2); c.3341dup, p.Thr1115fs (NM_001329944.2, NM_001329946.2, NM_001329947.2); c.3113dup, p.Thr1039fs (NM_014749.5); short protein forms T1071fs, T1168fs, T1039fs, T1115fs, T1030fs, T1100fs, T975fs.
Identifiers: ClinVar variation 2168842 (VCV002168842.6), dbSNP rs747711431, ClinGen allele CA7206138.

ClinVar aggregate classification (germline): Pathogenic/Likely pathogenic. Review status: criteria provided, multiple submitters, no conflicts (2 of 4 stars). 2 submissions from 2 submitters: Pathogenic (1); Likely pathogenic (1). Last evaluated 2022-04-29.

Conditions:
Joubert syndrome 23 (JBTS23). Identifiers: Orphanet 475, MedGen C4084822, MONDO:0014664, OMIM 616490.
Short-rib thoracic dysplasia 14 with polydactyly (SRTD14). Identifiers: Orphanet 397715, MedGen C4225286, MONDO:0014688, OMIM 616546.

Submissions (2):

Labcorp Genetics (formerly Invitae), Labcorp
Classification: Pathogenic for Joubert syndrome 23; Short-rib thoracic dysplasia 14 with polydactyly. Last evaluated: 2022-04-29. Review status: criteria provided, single submitter. Criteria: Invitae Variant Classification Sherloc (09022015). Collection method: clinical testing. Allele origin: germline.
Comment: This sequence change creates a premature translational stop signal (p.Thr1168Asnfs*25) in the KIAA0586 gene. It is expected to result in an absent or disrupted protein product. Loss-of-function variants in KIAA0586 are known to be pathogenic (PMID: 26096313, 26166481, 26386044). This variant is present in population databases (rs747711431, gnomAD 0.003%). This variant has not been reported in the literature in individuals affected with KIAA0586-related conditions. For these reasons, this variant has been classified as Pathogenic.

Juno Genomics, Hangzhou Juno Genomics, Inc
Classification: Likely pathogenic for Joubert syndrome 23; Short-rib thoracic dysplasia 14 with polydactyly. Review status: criteria provided, single submitter. Criteria: ACMG Guidelines, 2015. Collection method: clinical testing. Allele origin: germline.
Comment: Null variant in a gene where loss of function (LOF) is a known mechanism of disease.;Absent from controls (or at extremely low frequency if recessive) in Genome Aggregation Database.

Literature cited by the submitters: PubMed 26096313 (cited by Labcorp Genetics (formerly Invitae), Labcorp); PubMed 26166481 (cited by Labcorp Genetics (formerly Invitae), Labcorp); PubMed 26386044 (cited by Labcorp Genetics (formerly Invitae), Labcorp).